The following is an entry in ClinVar:

NM_001368397.1(FRMPD4):c.2675-9G>A

Gene: FRMPD4 (FERM and PDZ domain containing 4; plus strand). Cytogenetic location: Xp22.2.
Variant type: single nucleotide variant.
Coding change: c.2675-9G>A on transcript NM_001368397.1 (MANE Select); 9 bases into the intron before coding-DNA position 2675, G replaced by A.
Molecular consequence: intron variant.
Genome position (GRCh38, 1-based): chrX:12,717,492, G>A. VCF-style: chrX-12717492-G-A. GRCh37 (hg19) VCF-style: chrX-12735611-G-A.
Other names: c.2786-9G>A (NM_001368398.3, NM_001368395.3); c.2651-9G>A (NM_001368402.3, NM_001368401.1); c.2555-9G>A (NM_001368400.3); c.2666-9G>A (NM_001368399.3); c.2675-9G>A (NM_014728.3); c.2681-9G>A (NM_001368396.3).
Identifiers: ClinVar variation 2446066 (VCV002446066.1), dbSNP rs2519856301, ClinGen allele CA2580100025.
Genomic context (GRCh38, chrX:12,717,492, plus strand): 5'-ATTTTCTTACATGTCTCCAAGTGCCTCTGATGCATCCATTAATCAGTTCTTGTTTTTTAC[G>A]GCATGCAGGTGTAGCCATCTTGCGGGCTTATAGTCCTGAGTCTTCGTCAGACTCGGGCAA-3'

ClinVar aggregate classification (germline): Uncertain significance (1 of 4 stars; one submission).

Submission:

GeneDx
Classification: Uncertain significance. Last evaluated: 2022-09-26. Review status: criteria provided, single submitter. Criteria: GeneDx Variant Classification Process June 2021. Collection method: clinical testing. Allele origin: germline. Affected: yes.
Comment: Not observed at significant frequency in large population cohorts (gnomAD); In silico analysis supports a deleterious effect on splicing; Has not been previously published as pathogenic or benign to our knowledge